The following is an entry in ClinVar:

NM_018979.4(WNK1):c.4667G>C (p.Gly1556Ala)

Gene: WNK1 (WNK lysine deficient protein kinase 1; plus strand). Cytogenetic location: 12p13.33.
Variant type: single nucleotide variant.
Coding change: c.4667G>C on transcript NM_018979.4 (MANE Select); coding-DNA position 4667, G replaced by C.
Protein change: p.Gly1556Ala; replaces glycine 1556 with alanine.
Molecular consequence: missense variant.
Genome position (GRCh38, 1-based): chr12:885,471, G>C. VCF-style: chr12-885471-G-C. GRCh37 (hg19) VCF-style: chr12-994637-G-C.
Other names: c.5447G>C, p.Gly1816Ala (NM_001184985.2); c.3926G>C, p.Gly1309Ala (NM_014823.3); c.5423G>C, p.Gly1808Ala (NM_213655.5); short protein forms G1309A, G1808A, G1816A, G1556A.
Identifiers: ClinVar variation 1899308 (VCV001899308.5), dbSNP rs1953566481, ClinGen allele CA383331686.

ClinVar aggregate classification (germline): Uncertain significance (1 of 4 stars; one submission).

Conditions:
Pseudohypoaldosteronism type 2C (PHA2C). Also called: Pseudohypoaldosteronism Type IIC. Identifiers: Orphanet 757, Orphanet 88940, MedGen C1840391, MONDO:0013778, OMIM 614492.
Neuropathy, hereditary sensory and autonomic, type 2A (HSAN2A). Also called: ACROOSTEOLYSIS, GIACCAI TYPE; ACROOSTEOLYSIS, NEUROGENIC; MORVAN DISEASE; NEUROPATHY, CONGENITAL SENSORY; NEUROPATHY, HEREDITARY SENSORY RADICULAR, AUTOSOMAL RECESSIVE; HSAN IIA. Identifiers: Orphanet 970, MedGen C2752089, MONDO:0024309, OMIM 201300.

Allele frequency attached by ClinVar (database versions not stated): gnomAD exomes 0.00001.
gnomAD v4.1: 7 of 1,613,930 alleles (0.00043%); highest among the groups gnomAD compares: Non-Finnish European, 0.00059%; no homozygotes.

Submission:

Labcorp Genetics (formerly Invitae), Labcorp
Classification: Uncertain significance for Neuropathy, hereditary sensory and autonomic, type 2A; Pseudohypoaldosteronism type 2C. Last evaluated: 2022-08-24. Review status: criteria provided, single submitter. Criteria: Invitae Variant Classification Sherloc (09022015). Collection method: clinical testing. Allele origin: germline.
Comment: This variant has not been reported in the literature in individuals affected with WNK1-related conditions. This sequence change replaces glycine, which is neutral and non-polar, with alanine, which is neutral and non-polar, at codon 1808 of the WNK1 protein (p.Gly1808Ala). This variant is not present in population databases (gnomAD no frequency). Advanced modeling of protein sequence and biophysical properties (such as structural, functional, and spatial information, amino acid conservation, physicochemical variation, residue mobility, and thermodynamic stability) performed at Invitae indicates that this missense variant is not expected to disrupt WNK1 protein function. In summary, the available evidence is currently insufficient to determine the role of this variant in disease. Therefore, it has been classified as a Variant of Uncertain Significance.